The following is an entry in ClinVar:

ClinVar aggregate classification (germline): Uncertain significance (1 of 4 stars; one submission).

Conditions:
Congenital myopathy 4B, autosomal recessive. Also called: Nemaline myopathy 1, autosomal dominant or recessive. Identifiers: Orphanet 171433, Orphanet 171439, Orphanet 171881, MedGen C5829889, MONDO:0012239, OMIM 609284.
Congenital myopathy with fiber type disproportion. Also called: Congenital fiber-type disproportion; Congenital fiber-type disproportion myopathy. Identifiers: Orphanet 2020, MedGen C0546264, MONDO:0009711. Inheritance: all.

Submission:

Labcorp Genetics (formerly Invitae), Labcorp
Classification: Uncertain significance for Congenital myopathy with fiber type disproportion; Congenital myopathy 4B, autosomal recessive. Last evaluated: 2025-11-08. Review status: criteria provided, single submitter. Criteria: Invitae Variant Classification Sherloc (09022015). Collection method: clinical testing. Allele origin: germline.
Comment: This sequence change replaces leucine, which is neutral and non-polar, with proline, which is neutral and non-polar, at codon 114 of the TPM3 protein (p.Leu114Pro). This variant is not present in population databases (gnomAD no frequency). This variant has not been reported in the literature in individuals affected with TPM3-related conditions. ClinVar contains an entry for this variant (Variation ID: 3758710). Invitae Evidence Modeling of protein sequence and biophysical properties (such as structural, functional, and spatial information, amino acid conservation, physicochemical variation, residue mobility, and thermodynamic stability) indicates that this missense variant is expected to disrupt TPM3 protein function with a positive predictive value of 80%. In summary, the available evidence is currently insufficient to determine the role of this variant in disease. Therefore, it has been classified as a Variant of Uncertain Significance.

NM_152263.4(TPM3):c.341T>C (p.Leu114Pro)

Gene: TPM3 (tropomyosin 3; minus strand). Cytogenetic location: 1q21.3.
Variant type: single nucleotide variant.
Coding change: c.341T>C on transcript NM_152263.4 (MANE Select); coding-DNA position 341, T replaced by C.
Protein change: p.Leu114Pro; replaces leucine 114 with proline.
Molecular consequence: missense variant. On other transcripts: 5 prime UTR variant (1), non-coding transcript variant (1), intron variant (1).
Genome position (GRCh38, 1-based): chr1:154,176,151, A>G on the plus strand (T>C on the coding strand, the complement: TPM3 is on the minus strand). VCF-style: chr1-154176151-A-G. GRCh37 (hg19) VCF-style: chr1-154148627-A-G.
Other names: c.230T>C, p.Leu77Pro (NM_001043351.2, NM_001043352.2, NM_001043353.2 and 5 more transcripts); c.-41T>C (NM_001278191.2); c.341T>C, p.Leu114Pro (NM_001364679.2, NM_001364680.2, NM_001364681.2 and 1 more transcripts); c.69-2950T>C (NM_001278188.2); short protein forms L114P, L77P.
Identifiers: ClinVar variation 3758710 (VCV003758710.2).
Genomic context (GRCh38, chr1:154,176,151, plus strand): 5'-ACTCCATCAGGCTTCCCTACACACCTCTCACTCTCATCAGCAGCTTTTTCAGCTTCTTCC[A>G]GCTTTTGCAGGGCAGTGGCCAGGCGCTCCTGAGCACGGTCCAGCTCTTCTTCAACCAGCT-3'
Protein context (NP_689476.2, residues 104-124): QERLATALQK[Leu114Pro]EEAEKAADES